The following is an entry in ClinVar:

ClinVar aggregate classification (germline): Uncertain significance (1 of 4 stars; one submission).

Submission:

GeneDx
Classification: Uncertain significance. Last evaluated: 2024-01-03. Review status: criteria provided, single submitter. Criteria: GeneDx Variant Classification Process June 2021. Collection method: clinical testing. Allele origin: germline. Affected: yes.
Comment: Not observed at significant frequency in large population cohorts (gnomAD); Frameshift variant predicted to result in protein truncation in a gene or region of a gene for which loss of function is not a well-established mechanism of disease; Has not been previously published as pathogenic or benign to our knowledge

NM_000165.5(GJA1):c.915_918del (p.Glu307fs)

Gene: GJA1 (gap junction protein alpha 1; plus strand). Cytogenetic location: 6q22.31.
Variant type: Deletion.
Coding change: c.915_918del on transcript NM_000165.5 (MANE Select); coding-DNA positions 915 to 918, 4 bases deleted (AAGT; older notation c.915_918delAAGT).
Protein change: p.Glu307fs; shifts the reading frame from glutamic acid 307.
Molecular consequence: frameshift variant.
Genome position (GRCh38, 1-based): chr6:121,447,762-121,447,765, AAGT deleted. VCF-style (leftmost placement, unchanged base first): chr6-121447761-CAAGT-C. GRCh37 (hg19) VCF-style: chr6-121768907-CAAGT-C.
Other names: short protein forms E307fs.
Identifiers: ClinVar variation 3370252 (VCV003370252.1).
Genomic context (GRCh38, chr6:121,447,761, plus strand): 5'-GGTACAAGCTGGTTACTGGCGACAGAAACAATTCTTCTTGCCGCAATTACAACAAGCAAG[CAAGT>C]GAGCAAAACTGGGCTAATTACAGTGCAGAACAAAATCGAATGGGGCAGGCGGGAAGCACC-3'